The following is an entry in ClinVar:

ClinVar aggregate classification (germline): Pathogenic (1 of 4 stars; one submission).

Conditions:
Hereditary spastic paraplegia 31. Also called: SPASTIC PARAPLEGIA 31, AUTOSOMAL DOMINANT. Identifiers: Orphanet 101011, MedGen C1853247, MONDO:0012453, OMIM 610250.

Submission:

Labcorp Genetics (formerly Invitae), Labcorp
Classification: Pathogenic for Hereditary spastic paraplegia 31. Last evaluated: 2023-06-30. Review status: criteria provided, single submitter. Criteria: Invitae Variant Classification Sherloc (09022015). Collection method: clinical testing. Allele origin: germline.
Comment: For these reasons, this variant has been classified as Pathogenic. ClinVar contains an entry for this variant (Variation ID: 1996533). This variant has not been reported in the literature in individuals affected with REEP1-related conditions. This variant is not present in population databases (gnomAD no frequency). This sequence change creates a premature translational stop signal (p.Ala20Argfs*8) in the REEP1 gene. It is expected to result in an absent or disrupted protein product. Loss-of-function variants in REEP1 are known to be pathogenic (PMID: 18321925, 18644145, 22703882).

Literature cited by the submitters: PubMed 18321925; PubMed 18644145; PubMed 22703882.

NM_001371279.1(REEP1):c.57del (p.Ala20fs)

Gene: REEP1 (receptor accessory protein 1; minus strand). Cytogenetic location: 2p11.2.
Variant type: Deletion.
Coding change: c.57del on transcript NM_001371279.1 (MANE Select); coding-DNA position 57, one base deleted (T; older notation c.57delT).
Protein change: p.Ala20fs; shifts the reading frame from alanine 20.
Molecular consequence: frameshift variant. On other transcripts: intron variant (1).
Genome position (GRCh38, 1-based): chr2:86,282,218, A deleted on the plus strand (T on the coding strand, the reverse complement: REEP1 is on the minus strand). VCF-style (leftmost placement, unchanged base first): chr2-86282217-CA-C. GRCh37 (hg19) VCF-style: chr2-86509340-CA-C.
Other names: c.78del, p.Ala27fs (NM_001164730.2); c.57del, p.Ala20fs (NM_001164732.2, NM_001371280.1, NM_022912.3); c.57delT, p.Ala20Argfs (NM_001410855.1, NM_001410856.1); c.25-18177del (NM_001164731.2); short protein forms A20fs, A27fs.
Identifiers: ClinVar variation 1996533 (VCV001996533.4), dbSNP rs2468983226, ClinGen allele CA2580068279.